The following is an entry in ClinVar:

ClinVar aggregate classification (germline): Pathogenic (1 of 4 stars; one submission).

Conditions:
Familial adenomatous polyposis 1 (FAP1). Also called: FAMILIAL ADENOMATOUS POLYPOSIS 1, ATTENUATED; POLYPOSIS, ADENOMATOUS INTESTINAL. Identifiers: MedGen C2713442, MONDO:0021056, OMIM 175100. Disease mechanism: loss of function.

Submission:

Myriad Genetics, Inc.
Classification: Pathogenic for Familial adenomatous polyposis 1. Last evaluated: 2023-05-05. Review status: criteria provided, single submitter. Criteria: Myriad Autosomal Dominant, Autosomal Recessive and X-Linked Classification Criteria (2023). Collection method: clinical testing. Allele origin: unknown.
Comment: This variant is considered pathogenic. This variant creates a termination codon and is predicted to result in premature protein truncation.

NM_000038.6(APC):c.2891T>A (p.Leu964Ter)

Gene: APC (APC regulator of Wnt signaling pathway; plus strand). Cytogenetic location: 5q22.2.
Variant type: single nucleotide variant.
Coding change: c.2891T>A on transcript NM_000038.6 (MANE Select); coding-DNA position 2891, T replaced by A.
Protein change: p.Leu964Ter; replaces leucine 964 with a stop codon.
Molecular consequence: nonsense. On other transcripts: non-coding transcript variant (2).
Genome position (GRCh38, 1-based): chr5:112,838,485, T>A. VCF-style: chr5-112838485-T-A. GRCh37 (hg19) VCF-style: chr5-112174182-T-A.
Other names: c.2891T>A, p.Leu964Ter (NM_001127510.3, NM_001354895.2, NM_001407450.1); c.2837T>A, p.Leu946Ter (NM_001127511.3); c.2945T>A, p.Leu982Ter (NM_001354896.2, NM_001407447.1, NM_001407448.1 and 1 more transcripts); c.2921T>A, p.Leu974Ter (NM_001354897.2); c.2816T>A, p.Leu939Ter (NM_001354898.2); c.2807T>A, p.Leu936Ter (NM_001354899.2); c.2768T>A, p.Leu923Ter (NM_001354900.2); c.2714T>A, p.Leu905Ter (NM_001354901.2, NM_001407453.1); and 11 more; short protein forms L580*, L681*, L804*, L835*, L838*, L863*, L873*, L881*.
Identifiers: ClinVar variation 2584254 (VCV002584254.2), dbSNP rs2533457195, ClinGen allele CA16027640.